The following is an entry in ClinVar:

ClinVar aggregate classification (germline): Conflicting classifications of pathogenicity. Review status: criteria provided, conflicting classifications (1 of 4 stars). 2 submissions from 2 submitters: Uncertain significance (1); Likely benign (1). Last evaluated 2025-09-16.

Conditions:
Dilated cardiomyopathy 1JJ (CMD1JJ). Identifiers: Orphanet 154, MedGen C3808935, MONDO:0014095, OMIM 615235.
Cardiovascular phenotype. Identifiers: MedGen CN230736.

Allele frequency attached by ClinVar (database versions not stated): gnomAD exomes below 0.00001; ExAC 0.00001; gnomAD 0.00001; TOPMed 0.00001.
gnomAD v4.1: 7 of 1,613,852 alleles (0.00043%); highest among the groups gnomAD compares: Middle Eastern, 0.016%; no homozygotes.

Submissions (2):

Ambry Genetics
Classification: Likely benign for Cardiovascular phenotype. Last evaluated: 2025-09-16. Review status: criteria provided, single submitter. Criteria: Ambry Variant Classification Scheme 2023. Collection method: clinical testing. Allele origin: germline.

Labcorp Genetics (formerly Invitae), Labcorp
Classification: Uncertain significance for Dilated cardiomyopathy 1JJ. Last evaluated: 2025-01-29. Review status: criteria provided, single submitter. Criteria: Invitae Variant Classification Sherloc (09022015). Collection method: clinical testing. Allele origin: germline.
Comment: This sequence change replaces isoleucine, which is neutral and non-polar, with threonine, which is neutral and polar, at codon 1756 of the LAMA4 protein (p.Ile1756Thr). This variant is present in population databases (rs782557878, gnomAD 0.0009%). This variant has not been reported in the literature in individuals affected with LAMA4-related conditions. ClinVar contains an entry for this variant (Variation ID: 1014034). Invitae Evidence Modeling of protein sequence and biophysical properties (such as structural, functional, and spatial information, amino acid conservation, physicochemical variation, residue mobility, and thermodynamic stability) indicates that this missense variant is not expected to disrupt LAMA4 protein function with a negative predictive value of 80%. In summary, the available evidence is currently insufficient to determine the role of this variant in disease. Therefore, it has been classified as a Variant of Uncertain Significance.

NM_001105206.3(LAMA4):c.5288T>C (p.Ile1763Thr)

Gene: LAMA4 (laminin subunit alpha 4; minus strand). Cytogenetic location: 6q21.
Variant type: single nucleotide variant.
Coding change: c.5288T>C on transcript NM_001105206.3 (MANE Select); coding-DNA position 5288, T replaced by C.
Protein change: p.Ile1763Thr; replaces isoleucine 1763 with threonine.
Molecular consequence: missense variant.
Genome position (GRCh38, 1-based): chr6:112,114,114, A>G on the plus strand (T>C on the coding strand, the complement: LAMA4 is on the minus strand). VCF-style: chr6-112114114-A-G. GRCh37 (hg19) VCF-style: chr6-112435317-A-G.
Other names: c.5267T>C, p.Ile1756Thr (NM_001105207.3, NM_002290.5); c.5267T>C (NM_002290.3); short protein forms I1756T, I1763T.
Identifiers: ClinVar variation 1014034 (VCV001014034.9), dbSNP rs782557878, ClinGen allele CA3964755.